The following is an entry in ClinVar:

ClinVar aggregate classification (germline): Uncertain significance (1 of 4 stars; one submission).

Conditions:
Fanconi anemia (FA). Also called: Fanconi's anemia. Identifiers: Orphanet 84, MedGen C0015625, MeSH D005199, MONDO:0019391.

Submission:

Labcorp Genetics (formerly Invitae), Labcorp
Classification: Uncertain significance for Fanconi anemia. Last evaluated: 2024-04-29. Review status: criteria provided, single submitter. Criteria: Invitae Variant Classification Sherloc (09022015). Collection method: clinical testing. Allele origin: germline.
Comment: This sequence change replaces alanine, which is neutral and non-polar, with threonine, which is neutral and polar, at codon 117 of the SLX4 protein (p.Ala117Thr). This variant is not present in population databases (gnomAD no frequency). This variant has not been reported in the literature in individuals affected with SLX4-related conditions. Algorithms developed to predict the effect of missense changes on protein structure and function output the following: SIFT: "Not Available"; PolyPhen-2: "Benign"; Align-GVGD: "Not Available". The threonine amino acid residue is found in multiple mammalian species, which suggests that this missense change does not adversely affect protein function. In summary, the available evidence is currently insufficient to determine the role of this variant in disease. Therefore, it has been classified as a Variant of Uncertain Significance.

NM_032444.4(SLX4):c.349G>A (p.Ala117Thr)

Gene: SLX4 (SLX4 structure-specific endonuclease subunit; minus strand). Cytogenetic location: 16p13.3.
Variant type: single nucleotide variant.
Coding change: c.349G>A on transcript NM_032444.4 (MANE Select); coding-DNA position 349, G replaced by A.
Protein change: p.Ala117Thr; replaces alanine 117 with threonine.
Molecular consequence: missense variant.
Genome position (GRCh38, 1-based): chr16:3,608,616, C>T on the plus strand (G>A on the coding strand, the complement: SLX4 is on the minus strand). VCF-style: chr16-3608616-C-T. GRCh37 (hg19) VCF-style: chr16-3658617-C-T.
Other names: short protein forms A117T.
Identifiers: ClinVar variation 2840164 (VCV002840164.3), dbSNP rs775853263, ClinGen allele CA394547414.